The following is an entry in ClinVar:

ClinVar aggregate classification (germline): Uncertain significance (1 of 4 stars; one submission).

Submission:

Labcorp Genetics (formerly Invitae), Labcorp
Classification: Uncertain significance. Last evaluated: 2025-01-20. Review status: criteria provided, single submitter. Criteria: Invitae Variant Classification Sherloc (09022015). Collection method: clinical testing. Allele origin: germline.
Comment: This sequence change replaces histidine, which is basic and polar, with tyrosine, which is neutral and polar, at codon 438 of the AUTS2 protein (p.His438Tyr). This variant is not present in population databases (gnomAD no frequency). This variant has not been reported in the literature in individuals affected with AUTS2-related conditions. Invitae Evidence Modeling of protein sequence and biophysical properties (such as structural, functional, and spatial information, amino acid conservation, physicochemical variation, residue mobility, and thermodynamic stability) indicates that this missense variant is not expected to disrupt AUTS2 protein function with a negative predictive value of 80%. In summary, the available evidence is currently insufficient to determine the role of this variant in disease. Therefore, it has been classified as a Variant of Uncertain Significance.

NM_015570.4(AUTS2):c.1312C>T (p.His438Tyr)

Gene: AUTS2 (activator of transcription and developmental regulator AUTS2; plus strand). Cytogenetic location: 7q11.22.
Variant type: single nucleotide variant.
Coding change: c.1312C>T on transcript NM_015570.4 (MANE Select); coding-DNA position 1312, C replaced by T.
Protein change: p.His438Tyr; replaces histidine 438 with tyrosine.
Molecular consequence: missense variant.
Genome position (GRCh38, 1-based): chr7:70,764,849, C>T. VCF-style: chr7-70764849-C-T. GRCh37 (hg19) VCF-style: chr7-70229835-C-T.
Other names: c.1312C>T, p.His438Tyr (NM_001127231.3); short protein forms H438Y.
Identifiers: ClinVar variation 3629124 (VCV003629124.2).